The following is an entry in ClinVar:

NM_025137.4(SPG11):c.5867-1G>A

Gene: SPG11 (SPG11 vesicle trafficking associated, spatacsin; minus strand). Cytogenetic location: 15q21.1.
Variant type: single nucleotide variant.
Coding change: c.5867-1G>A on transcript NM_025137.4 (MANE Select); the canonical splice acceptor site of the intron before coding-DNA position 5867, G replaced by A.
Molecular consequence: splice acceptor variant. On other transcripts: intron variant (1).
Genome position (GRCh38, 1-based): chr15:44,575,042, C>T on the plus strand (G>A on the coding strand, the complement: SPG11 is on the minus strand). VCF-style: chr15-44575042-C-T. GRCh37 (hg19) VCF-style: chr15-44867240-C-T.
Other names: c.5723-1G>A (NM_001411132.1); c.5867-2222G>A (NM_001160227.2).
Identifiers: ClinVar variation 1459526 (VCV001459526.8), dbSNP rs1060501168, ClinGen allele CA392219237.

ClinVar aggregate classification (germline): Pathogenic (1 of 4 stars; one submission).

Conditions:
Hereditary spastic paraplegia 11. Also called: Spastic Paraplegia 11; Nakamura Osame syndrome; Autosomal recessive hereditary spastic paraplegia, mental impairment, and thin corpus callosum; SPASTIC PARAPLEGIA, AUTOSOMAL RECESSIVE, COMPLICATED, WITH THIN CORPUS CALLOSUM; SPASTIC PARAPLEGIA, AUTOSOMAL RECESSIVE, WITH MENTAL IMPAIRMENT AND THIN CORPUS CALLOSUM; Spastic paraplegia, mental retardation and thin corpus callosum. Identifiers: Orphanet 2822, MedGen C1858479, MONDO:0011445, OMIM 604360.

Submission:

Labcorp Genetics (formerly Invitae), Labcorp
Classification: Pathogenic for Hereditary spastic paraplegia 11. Last evaluated: 2021-02-22. Review status: criteria provided, single submitter. Criteria: Invitae Variant Classification Sherloc (09022015). Collection method: clinical testing. Allele origin: germline.
Comment: This variant is not present in population databases (ExAC no frequency). This sequence change affects an acceptor splice site in intron 30 of the SPG11 gene. It is expected to disrupt RNA splicing. Variants that disrupt the donor or acceptor splice site typically lead to a loss of protein function (PMID: 16199547), and loss-of-function variants in SPG11 are known to be pathogenic (PMID: 19105190, 20110243, 22154821). Disruption of this splice site has been reported in individuals with hereditary spastic paraplegia (PMID: 27256065). It has also been observed to segregate with disease in related individuals. Algorithms developed to predict the effect of sequence changes on RNA splicing suggest that this variant may disrupt the consensus splice site, but this prediction has not been confirmed by published transcriptional studies. For these reasons, this variant has been classified as Pathogenic.

Literature cited by the submitters: PubMed 16199547; PubMed 19105190; PubMed 20110243; PubMed 22154821; PubMed 27256065.